The following is an entry in ClinVar:

NM_000701.8(ATP1A1):c.394dup (p.Leu132fs)

Gene: ATP1A1 (ATPase Na+/K+ transporting subunit alpha 1; plus strand). Cytogenetic location: 1p13.1.
Variant type: Duplication.
Coding change: c.394dup on transcript NM_000701.8 (MANE Select); coding-DNA position 394, one base duplicated (C; older notation c.394dupC).
Protein change: p.Leu132fs; shifts the reading frame from leucine 132.
Molecular consequence: frameshift variant.
Genome position (GRCh38, 1-based): chr1:116,388,137, C duplicated; the last of 2 consecutive C bases (chr1:116,388,136-116,388,137); duplicating either gives the same sequence. VCF-style (leftmost placement, unchanged base first): chr1-116388135-A-AC. GRCh37 (hg19) VCF-style: chr1-116930757-A-AC.
Other names: c.394dup, p.Leu132fs (NM_001160233.2); c.301dup, p.Leu101fs (NM_001160234.2); short protein forms L101fs, L132fs.
Identifiers: ClinVar variation 4075548 (VCV004075548.1).

ClinVar aggregate classification (germline): Uncertain significance (1 of 4 stars; one submission).

Submission:

GeneDx
Classification: Uncertain significance. Last evaluated: 2025-02-11. Review status: criteria provided, single submitter. Criteria: GeneDx Variant Classification Process June 2021. Collection method: clinical testing. Allele origin: germline. Affected: yes.
Comment: Not observed at significant frequency in large population cohorts (gnomAD); Frameshift variant predicted to result in protein truncation or nonsense mediated decay in a gene or region of a gene for which loss of function is not a well-established mechanism of disease; Has not been previously published as pathogenic or benign to our knowledge